The following is an entry in ClinVar:

ClinVar aggregate classification (germline): Pathogenic (1 of 4 stars; one submission).

Submission:

GeneDx
Classification: Pathogenic. Last evaluated: 2025-01-28. Review status: criteria provided, single submitter. Criteria: GeneDx Variant Classification Process June 2021. Collection method: clinical testing. Allele origin: germline. Affected: yes.
Comment: Frameshift variant predicted to result in protein truncation or nonsense mediated decay in a gene for which loss of function is a known mechanism of disease; Has not been previously published as pathogenic or benign to our knowledge

NM_001353345.2(SETD1B):c.2078dup (p.Pro694fs)

Gene: SETD1B (SET domain containing 1B, histone lysine methyltransferase; plus strand). Cytogenetic location: 12q24.31.
Variant type: Duplication.
Coding change: c.2078dup on transcript NM_001353345.2 (MANE Select); coding-DNA position 2078, one base duplicated (C; older notation c.2078dupC).
Protein change: p.Pro694fs; shifts the reading frame from proline 694.
Molecular consequence: frameshift variant.
Genome position (GRCh38, 1-based): chr12:121,814,293, C duplicated; the last of 8 consecutive C bases (chr12:121,814,286-121,814,293); duplicating any one gives the same sequence. VCF-style (leftmost placement, unchanged base first): chr12-121814285-G-GC. GRCh37 (hg19) VCF-style: chr12-122252191-G-GC.
Other names: short protein forms P694fs.
Identifiers: ClinVar variation 4071616 (VCV004071616.1).